The following is an entry in ClinVar:

ClinVar aggregate classification (germline): Likely benign. Review status: criteria provided, multiple submitters, no conflicts (2 of 4 stars). 4 submissions from 4 submitters: Likely benign (3). 1 of the submissions does not count toward it. Last evaluated 2026-01-31.

Conditions:
POLG-related disorder. Also called: POLG-Related Spectrum Disorders; POLG-related condition; POLG-Related Disorders. Identifiers: MedGen C4763519.
Progressive sclerosing poliodystrophy (MTDPS4A). Also called: Alpers Syndrome; NEURONAL DEGENERATION OF CHILDHOOD WITH LIVER DISEASE, PROGRESSIVE; ALPERS PROGRESSIVE INFANTILE POLIODYSTROPHY; ALPERS DIFFUSE DEGENERATION OF CEREBRAL GRAY MATTER WITH HEPATIC CIRRHOSIS; Mitochondrial DNA depletion syndrome 4A (Alpers type); Mitochondrial DNA Depletion Syndrome 4A. Identifiers: Orphanet 726, MedGen C0205710, MONDO:0008758, OMIM 203700.

Allele frequency attached by ClinVar (database versions not stated): gnomAD exomes 0.00002; gnomAD 0.00003.
gnomAD v4.1: 20 of 1,613,982 alleles (0.0012%); highest among the groups gnomAD compares: East Asian, 0.0045%; no homozygotes.

Submissions (4):

Labcorp Genetics (formerly Invitae), Labcorp
Classification: Likely benign for Progressive sclerosing poliodystrophy. Last evaluated: 2026-01-31. Review status: criteria provided, single submitter. Criteria: Invitae Variant Classification Sherloc (09022015). Collection method: clinical testing. Allele origin: germline.

Blueprint Genetics
Classification: Likely benign. Last evaluated: 2023-08-25. Review status: criteria provided, single submitter. Criteria: ACMG Guidelines, 2015. Collection method: clinical testing. Allele origin: germline.

GeneDx
Classification: Likely benign. Last evaluated: 2017-03-24. Review status: criteria provided, single submitter. Criteria: GeneDx Variant Classification (06012015). Collection method: clinical testing. Allele origin: germline. Affected: yes.
Comment: This variant is considered likely benign or benign based on one or more of the following criteria: it is a conservative change, it occurs at a poorly conserved position in the protein, it is predicted to be benign by multiple in silico algorithms, and/or has population frequency not consistent with disease.

PreventionGenetics, part of Exact Sciences
Classification: Likely benign for POLG-related condition. Last evaluated: 2021-07-09. Review status: no assertion criteria provided. Collection method: clinical testing. Allele origin: germline. Not counted in ClinVar's aggregate classification.
Comment: This variant is classified as likely benign based on ACMG/AMP sequence variant interpretation guidelines (Richards et al. 2015 PMID: 25741868, with internal and published modifications).

NM_002693.3(POLG):c.1620A>G (p.Gln540=)

Gene: POLG (DNA polymerase gamma, catalytic subunit; minus strand). Cytogenetic location: 15q26.1.
Variant type: single nucleotide variant.
Coding change: c.1620A>G on transcript NM_002693.3 (MANE Select); coding-DNA position 1620, A replaced by G.
Protein change: p.Gln540=; no amino-acid change (glutamine 540 retained).
Molecular consequence: synonymous variant.
Genome position (GRCh38, 1-based): chr15:89,326,704, T>C on the plus strand (A>G on the coding strand, the complement: POLG is on the minus strand). VCF-style: chr15-89326704-T-C. GRCh37 (hg19) VCF-style: chr15-89869935-T-C.
Other names: c.1620A>G, p.Gln540= (NM_001126131.2).
Identifiers: ClinVar variation 508284 (VCV000508284.12), dbSNP rs958701683, ClinGen allele CA274555697.